The following is an entry in ClinVar:

NM_014915.3(ANKRD26):c.3643G>A (p.Ala1215Thr)

Gene: ANKRD26 (ankyrin repeat domain 26; minus strand). Cytogenetic location: 10p12.1.
Variant type: single nucleotide variant.
Coding change: c.3643G>A on transcript NM_014915.3 (MANE Select); coding-DNA position 3643, G replaced by A.
Protein change: p.Ala1215Thr; replaces alanine 1215 with threonine.
Molecular consequence: missense variant.
Genome position (GRCh38, 1-based): chr10:27,034,807, C>T on the plus strand (G>A on the coding strand, the complement: ANKRD26 is on the minus strand). VCF-style: chr10-27034807-C-T. GRCh37 (hg19) VCF-style: chr10-27323736-C-T.
Other names: c.3640G>A, p.Ala1214Thr (NM_001256053.2); short protein forms A1214T, A1215T.
Identifiers: ClinVar variation 3633011 (VCV003633011.3).

ClinVar aggregate classification (germline): Uncertain significance. Review status: criteria provided, multiple submitters, no conflicts (2 of 4 stars). 2 submissions from 2 submitters: Uncertain significance (2). Last evaluated 2025-08-24.

Conditions:
Inborn genetic diseases. Identifiers: MedGen C0950123, MeSH D030342.

gnomAD v4.1: 9 of 1,602,678 alleles (0.00056%); highest among the groups gnomAD compares: Admixed American, 0.0034%; no homozygotes.

Submissions (2):

Ambry Genetics
Classification: Uncertain significance for Inborn genetic diseases. Last evaluated: 2025-08-24. Review status: criteria provided, single submitter. Criteria: Ambry Variant Classification Scheme 2023. Collection method: clinical testing. Allele origin: germline.
Comment: The p.A1215T variant (also known as c.3643G>A), located in coding exon 24 of the ANKRD26 gene, results from a G to A substitution at nucleotide position 3643. The alanine at codon 1215 is replaced by threonine, an amino acid with similar properties. This amino acid position is conserved. In addition, this alteration is predicted to be tolerated by in silico analysis. Based on the available evidence, the clinical significance of this variant remains unclear.

Labcorp Genetics (formerly Invitae), Labcorp
Classification: Uncertain significance. Last evaluated: 2024-06-23. Review status: criteria provided, single submitter. Criteria: Invitae Variant Classification Sherloc (09022015). Collection method: clinical testing. Allele origin: germline.
Comment: This sequence change replaces alanine, which is neutral and non-polar, with threonine, which is neutral and polar, at codon 1215 of the ANKRD26 protein (p.Ala1215Thr). This variant is present in population databases (rs751998120, gnomAD 0.01%). This variant has not been reported in the literature in individuals affected with ANKRD26-related conditions. Algorithms developed to predict the effect of missense changes on protein structure and function output the following: SIFT: "Not Available"; PolyPhen-2: "Benign"; Align-GVGD: "Not Available". The threonine amino acid residue is found in multiple mammalian species, which suggests that this missense change does not adversely affect protein function. In summary, the available evidence is currently insufficient to determine the role of this variant in disease. Therefore, it has been classified as a Variant of Uncertain Significance.